The following is an entry in ClinVar:

NM_005055.5(RAPSN):c.680A>G (p.Glu227Gly)

Gene: RAPSN (receptor associated protein of the synapse; minus strand). Cytogenetic location: 11p11.2.
Variant type: single nucleotide variant.
Coding change: c.680A>G on transcript NM_005055.5 (MANE Select); coding-DNA position 680, A replaced by G.
Protein change: p.Glu227Gly; replaces glutamic acid 227 with glycine.
Molecular consequence: missense variant.
Genome position (GRCh38, 1-based): chr11:47,442,666, T>C on the plus strand (A>G on the coding strand, the complement: RAPSN is on the minus strand). VCF-style: chr11-47442666-T-C. GRCh37 (hg19) VCF-style: chr11-47464218-T-C.
Other names: c.680A>G, p.Glu227Gly (NM_032645.5); c.680A>G (NM_005055.4); short protein forms E227G.
Identifiers: ClinVar variation 2155782 (VCV002155782.2), dbSNP rs554388545, ClinGen allele CA5976681.

ClinVar aggregate classification (germline): Uncertain significance. Review status: criteria provided, multiple submitters, no conflicts (2 of 4 stars). 2 submissions from 2 submitters: Uncertain significance (2). Last evaluated 2022-05-28.

Conditions:
Fetal akinesia deformation sequence 1 (FADS1). Also called: Pena-Shokeir syndrome type I; Fetal akinesia sequence. Identifiers: Orphanet 994, MedGen C1276035, MONDO:0100101, OMIM 208150, HP:0001989.
Congenital myasthenic syndrome 11. Also called: Myasthenic syndrome, congenital, 11, associated with acetylcholine receptor deficiency; MYASTHENIC SYNDROME, CONGENITAL, Ie. Identifiers: Orphanet 590, MedGen C4225367, MONDO:0014588, OMIM 616326.
Inborn genetic diseases. Identifiers: MedGen C0950123, MeSH D030342.

Allele frequency attached by ClinVar (database versions not stated): ExAC 0.00006; 1000 Genomes Project 30x 0.00016; 1000 Genomes Project 0.00020.
gnomAD v4.1: 35 of 1,603,450 alleles (0.0022%); highest among the groups gnomAD compares: South Asian, 0.038%; no homozygotes.

Submissions (2):

Labcorp Genetics (formerly Invitae), Labcorp
Classification: Uncertain significance for Congenital myasthenic syndrome 11; Fetal akinesia deformation sequence 1. Last evaluated: 2022-05-28. Review status: criteria provided, single submitter. Criteria: Invitae Variant Classification Sherloc (09022015). Collection method: clinical testing. Allele origin: germline.
Comment: This sequence change replaces glutamic acid, which is acidic and polar, with glycine, which is neutral and non-polar, at codon 227 of the RAPSN protein (p.Glu227Gly). This variant is present in population databases (rs554388545, gnomAD 0.04%). This variant has not been reported in the literature in individuals affected with RAPSN-related conditions. Algorithms developed to predict the effect of missense changes on protein structure and function are either unavailable or do not agree on the potential impact of this missense change (SIFT: "Deleterious"; PolyPhen-2: "Benign"; Align-GVGD: "Class C0"). In summary, the available evidence is currently insufficient to determine the role of this variant in disease. Therefore, it has been classified as a Variant of Uncertain Significance.

Ambry Genetics
Classification: Uncertain significance for Inborn genetic diseases. Last evaluated: 2022-05-27. Review status: criteria provided, single submitter. Criteria: Ambry Variant Classification Scheme 2023. Collection method: clinical testing. Allele origin: germline.